The following is an entry in ClinVar:

ClinVar aggregate classification (germline): Pathogenic (1 of 4 stars; one submission).

Submission:

CeGaT Center for Human Genetics Tuebingen
Classification: Pathogenic. Last evaluated: 2023-10-01. Review status: criteria provided, single submitter. Criteria: CeGaT Center For Human Genetics Tuebingen Variant Classification Criteria Version 2. Collection method: clinical testing. Allele origin: germline. Affected: yes. Observed: 1 variant allele.
Comment: DYRK1A: PS2, PM2, PM5, PP2, PP3

NM_001347721.2(DYRK1A):c.905C>A (p.Ser302Tyr)

Gene: DYRK1A (dual specificity tyrosine phosphorylation regulated kinase 1A; plus strand). Cytogenetic location: 21q22.13.
Variant type: single nucleotide variant.
Coding change: c.905C>A on transcript NM_001347721.2 (MANE Select); coding-DNA position 905, C replaced by A.
Protein change: p.Ser302Tyr; replaces serine 302 with tyrosine.
Molecular consequence: missense variant.
Genome position (GRCh38, 1-based): chr21:37,490,442, C>A. VCF-style: chr21-37490442-C-A. GRCh37 (hg19) VCF-style: chr21-38862744-C-A.
Other names: c.905C>A, p.Ser302Tyr (NM_001347722.2, NM_130436.2); c.818C>A, p.Ser273Tyr (NM_001347723.2); c.932C>A, p.Ser311Tyr (NM_001396.5, NM_101395.2, NM_130438.2); short protein forms S273Y, S302Y, S311Y.
Identifiers: ClinVar variation 2652660 (VCV002652660.24), dbSNP rs1039571136, ClinGen allele CA320483570.